The following is an entry in ClinVar:

NM_000018.4(ACADVL):c.1315G>T (p.Gly439Cys)

Gene: ACADVL (acyl-CoA dehydrogenase very long chain; plus strand). Cytogenetic location: 17p13.1.
Variant type: single nucleotide variant.
Coding change: c.1315G>T on transcript NM_000018.4 (MANE Select); coding-DNA position 1315, G replaced by T.
Protein change: p.Gly439Cys; replaces glycine 439 with cysteine.
Molecular consequence: missense variant.
Genome position (GRCh38, 1-based): chr17:7,223,858, G>T. VCF-style: chr17-7223858-G-T. GRCh37 (hg19) VCF-style: chr17-7127177-G-T.
Other names: c.1249G>T, p.Gly417Cys (NM_001033859.3); c.1384G>T, p.Gly462Cys (NM_001270447.2); c.1087G>T, p.Gly363Cys (NM_001270448.2); short protein forms G363C, G417C, G439C, G462C.
Identifiers: ClinVar variation 960095 (VCV000960095.10), dbSNP rs2071346311, ClinGen allele CA397724850.

ClinVar aggregate classification (germline): Likely pathogenic. Review status: criteria provided, multiple submitters, no conflicts (2 of 4 stars). 2 submissions from 2 submitters: Likely pathogenic (2). Last evaluated 2025-07-11.

Conditions:
Very long chain acyl-CoA dehydrogenase deficiency (ACADVLD). Also called: Very Long-Chain Acyl-Coenzyme A Dehydrogenase Deficiency; VLCAD Deficiency. Identifiers: Orphanet 26793, MedGen C3887523, MONDO:0008723, OMIM 201475.

Submissions (2):

Women's Health and Genetics/Laboratory Corporation of America, LabCorp
Classification: Likely pathogenic for Very long chain acyl-CoA dehydrogenase deficiency. Last evaluated: 2025-07-11. Review status: criteria provided, single submitter. Criteria: LabCorp Variant Classification Summary - May 2015. Collection method: clinical testing. Allele origin: germline.
Comment: Variant summary: ACADVL c.1315G>T (p.Gly439Cys) results in a non-conservative amino acid change in the encoded protein sequence. Algorithms developed to predict the effect of missense changes on protein structure and function all suggest that this variant is likely to be disruptive. The variant was absent in 251404 control chromosomes. c.1315G>T has been observed in individual(s) affected with Very Long Chain Acyl-CoA Dehydrogenase Deficiency (internal data). A different variant affecting the same codon has been classified as likely pathogenic by our lab (c.1316G>A, p.Gly439Asp), supporting the critical relevance of codon 439 to ACADVL protein function. To our knowledge, no experimental evidence demonstrating an impact on protein function has been reported. ClinVar contains an entry for this variant (Variation ID: 960095). Based on the evidence outlined above, the variant was classified as likely pathogenic.

Labcorp Genetics (formerly Invitae), Labcorp
Classification: Likely pathogenic for Very long chain acyl-CoA dehydrogenase deficiency. Last evaluated: 2019-10-09. Review status: criteria provided, single submitter. Criteria: Invitae Variant Classification Sherloc (09022015). Collection method: clinical testing. Allele origin: germline.
Comment: This sequence change replaces glycine with cysteine at codon 439 of the ACADVL protein (p.Gly439Cys). The glycine residue is highly conserved and there is a large physicochemical difference between glycine and cysteine. In summary, the currently available evidence indicates that the variant is pathogenic, but additional data are needed to prove that conclusively. Therefore, this variant has been classified as Likely Pathogenic. This variant disrupts the p.Gly439 amino acid residue in ACADVL. Other variant(s) that disrupt this residue have been determined to be pathogenic (PMID: 2006090, 23480858). This suggests that this residue is clinically significant, and that variants that disrupt this residue are likely to be disease-causing. Algorithms developed to predict the effect of missense changes on protein structure and function are either unavailable or do not agree on the potential impact of this missense change (SIFT: "Deleterious"; PolyPhen-2: "Probably Damaging"; Align-GVGD: "Class C15"). This variant has been observed in individual(s) with very long-chain acyl-CoA dehydrogenase deficiency (Invitae). In at least one individual the data is consistent with the variant being in trans (on the opposite chromosome) from a pathogenic variant. This variant is not present in population databases (ExAC no frequency).

Literature cited by the submitters: PubMed 2006090 (cited by Labcorp Genetics (formerly Invitae), Labcorp); PubMed 23480858 (cited by Labcorp Genetics (formerly Invitae), Labcorp).